The following is an entry in ClinVar:

NM_198253.3(TERT):c.602G>A (p.Arg201Gln)

Gene: TERT (telomerase reverse transcriptase; minus strand). Cytogenetic location: 5p15.33.
Variant type: single nucleotide variant.
Coding change: c.602G>A on transcript NM_198253.3 (MANE Select); coding-DNA position 602, G replaced by A.
Protein change: p.Arg201Gln; replaces arginine 201 with glutamine.
Molecular consequence: missense variant. On other transcripts: non-coding transcript variant (2).
Genome position (GRCh38, 1-based): chr5:1,294,284, C>T on the plus strand (G>A on the coding strand, the complement: TERT is on the minus strand). VCF-style: chr5-1294284-C-T. GRCh37 (hg19) VCF-style: chr5-1294399-C-T.
Other names: c.602G>A, p.Arg201Gln (NM_001193376.3); short protein forms R201Q.
Identifiers: ClinVar variation 410680 (VCV000410680.49), dbSNP rs1060503003, ClinGen allele CA16611794.

ClinVar aggregate classification (germline): Uncertain significance. Review status: criteria provided, multiple submitters, no conflicts (2 of 4 stars). 2 submissions from 2 submitters: Uncertain significance (2). Last evaluated 2025-09-11.

Conditions:
Dyskeratosis congenita. Identifiers: Orphanet 1775, MedGen C0265965, MONDO:0015780.
Dyskeratosis congenita, autosomal dominant 2. Identifiers: MedGen C3151443, MONDO:0013521, OMIM 613989.
Idiopathic Pulmonary Fibrosis. Also called: Idiopathic fibrosing alveolitis, chronic form; idiopathic fibrosing alveolitis. Identifiers: Orphanet 2032, MedGen C1800706, MeSH D054990, MONDO:0800504.

Allele frequency attached by ClinVar (database versions not stated): gnomAD exomes below 0.00001.

Submissions (2):

Labcorp Genetics (formerly Invitae), Labcorp
Classification: Uncertain significance for Dyskeratosis congenita, autosomal dominant 2; Idiopathic Pulmonary Fibrosis. Last evaluated: 2025-09-11. Review status: criteria provided, single submitter. Criteria: Invitae Variant Classification Sherloc (09022015). Collection method: clinical testing. Allele origin: germline.
Comment: This sequence change replaces arginine, which is basic and polar, with glutamine, which is neutral and polar, at codon 201 of the TERT protein (p.Arg201Gln). This variant is not present in population databases (gnomAD no frequency). This variant has not been reported in the literature in individuals affected with TERT-related conditions. ClinVar contains an entry for this variant (Variation ID: 410680). Invitae Evidence Modeling of protein sequence and biophysical properties (such as structural, functional, and spatial information, amino acid conservation, physicochemical variation, residue mobility, and thermodynamic stability) indicates that this missense variant is not expected to disrupt TERT protein function with a negative predictive value of 95%. In summary, the available evidence is currently insufficient to determine the role of this variant in disease. Therefore, it has been classified as a Variant of Uncertain Significance.

Ambry Genetics
Classification: Uncertain significance for Dyskeratosis congenita. Last evaluated: 2025-03-11. Review status: criteria provided, single submitter. Criteria: Ambry Variant Classification Scheme 2023. Collection method: clinical testing. Allele origin: germline.
Comment: The p.R201Q variant (also known as c.602G>A), located in coding exon 2 of the TERT gene, results from a G to A substitution at nucleotide position 602. The arginine at codon 201 is replaced by glutamine, an amino acid with highly similar properties. This amino acid position is not well conserved in available vertebrate species. In addition, this alteration is predicted to be tolerated by in silico analysis. Based on the available evidence, the clinical significance of this variant remains unclear.